The following continues an entry in ClinVar:

NM_000492.4(CFTR):c.1753G>T (p.Glu585Ter)

Gene: CFTR. ClinVar aggregate classification (germline): Pathogenic. Pathogenic (1).

Submissions 16 to 21 of 21:

Women's Health and Genetics/Laboratory Corporation of America, LabCorp
Classification: Pathogenic. Last evaluated: 2017-10-12. Review status: criteria provided, single submitter. Criteria: LabCorp Variant Classification Summary - May 2015. Collection method: clinical testing. Allele origin: germline. Not counted in ClinVar's aggregate classification.
Comment: Variant summary: The CFTR c.1753G>T (p.Glu585X) variant results in a premature termination codon, predicted to cause a truncated or absent CFTR protein due to nonsense mediated decay, which are commonly known mechanisms for disease. This variant was found in 5/244858 control chromosomes at a frequency of 0.0000204 (gnomAD), which does not exceed the estimated maximal expected allele frequency of a pathogenic CFTR variant (0.0129603). The variant of interest has been reported in multiple affected individuals (Sosnay 2013). In addition, multiple clinical diagnostic laboratories/reputable databases classified this variant as pathogenic. Taken together, this variant is classified as pathogenic.

Eurofins Ntd Llc (ga)
Classification: Pathogenic. Last evaluated: 2017-08-07. Review status: criteria provided, single submitter. Criteria: EGL Classification Definitions 2015. Collection method: clinical testing. Allele origin: germline. Observed: 3 variant alleles, 3 heterozygotes. Not counted in ClinVar's aggregate classification.

Clinical Genetics and Genomics, Karolinska University Hospital
Classification: Pathogenic. Last evaluated: 2016-04-22. Review status: criteria provided, single submitter. Criteria: ACMG Guidelines, 2015. Collection method: clinical testing. Allele origin: germline. Affected: yes. Observed: 1 variant allele. Not counted in ClinVar's aggregate classification.

Arcensus
Classification: Pathogenic for Cystic fibrosis. Last evaluated: 2013-02-01. Review status: criteria provided, single submitter. Criteria: ACMG Guidelines, 2015. Collection method: clinical testing. Allele origin: germline. Affected: yes. Not counted in ClinVar's aggregate classification.

Baylor Genetics
Classification: Pathogenic for Congenital bilateral aplasia of vas deferens from CFTR mutation; Cystic fibrosis. Review status: criteria provided, single submitter. Criteria: ACMG Guidelines, 2015. Collection method: clinical testing. Allele origin: germline. Not counted in ClinVar's aggregate classification.

Counsyl
Classification: Pathogenic for Cystic fibrosis. Last evaluated: 2014-07-09. Review status: no assertion criteria provided. Collection method: literature only. Allele origin: unknown. Inheritance: Autosomal recessive inheritance. Not counted in ClinVar's aggregate classification.

Literature cited by the submitters: PubMed 1695717 (cited by Labcorp Genetics (formerly Invitae), Labcorp); PubMed 7691345 (cited by Labcorp Genetics (formerly Invitae), Labcorp); PubMed 9725922 (cited by Labcorp Genetics (formerly Invitae), Labcorp); PubMed 1284538 (cited by 5 submitters); PubMed 15480987 (cited by Labcorp Genetics (formerly Invitae), Labcorp and Counsyl); PubMed 23974870 (cited by 5 submitters); PubMed 25492507 (cited by Labcorp Genetics (formerly Invitae), Labcorp); PubMed 25910067 (cited by Labcorp Genetics (formerly Invitae), Labcorp); PubMed 17627383 (cited by Natera, Inc.); PubMed 18467194 (cited by Natera, Inc.); PubMed 22658665 (cited by Mayo Clinic Laboratories, Mayo Clinic and Counsyl); PubMed 32819855 (cited by Mayo Clinic Laboratories, Mayo Clinic); PubMed 37310422 (cited by Mayo Clinic Laboratories, Mayo Clinic); PubMed 37422433 (cited by Mayo Clinic Laboratories, Mayo Clinic); PubMed 38662334 (cited by Mayo Clinic Laboratories, Mayo Clinic); PubMed 7513293 (cited by Women's Health and Genetics/Laboratory Corporation of America, LabCorp); PubMed 15176679 (cited by Women's Health and Genetics/Laboratory Corporation of America, LabCorp); PubMed 15698946 (cited by Women's Health and Genetics/Laboratory Corporation of America, LabCorp); PubMed 8707306 (cited by Women's Health and Genetics/Laboratory Corporation of America, LabCorp); PubMed 12865275 (cited by Women's Health and Genetics/Laboratory Corporation of America, LabCorp); PubMed 18456578 (cited by Counsyl).